The following is an entry in ClinVar:

ClinVar aggregate classification (germline): Uncertain significance (1 of 4 stars; one submission).

Conditions:
Stormorken syndrome (STRMK). Also called: THROMBOCYTOPATHY, ASPLENIA, AND MIOSIS. Identifiers: Orphanet 3204, MedGen C1861451, MONDO:0008497, OMIM 185070.
Myopathy with tubular aggregates (TAM). Also called: Tubular Aggregate Myopathy. Identifiers: Orphanet 2593, MedGen C0410207, MONDO:0008051.
Combined immunodeficiency due to STIM1 deficiency. Also called: STIM1 DEFICIENCY; IMMUNODEFICIENCY 10. Identifiers: Orphanet 169090, Orphanet 317430, MedGen C2748557, MONDO:0013008, OMIM 612783.

Allele frequency attached by ClinVar (database versions not stated): TOPMed 0.00002.
gnomAD v4.1: 1 of 1,613,890 alleles (0.000062%); highest among the groups gnomAD compares: African/African-American, 0.0013%; no homozygotes.

Submission:

Labcorp Genetics (formerly Invitae), Labcorp
Classification: Uncertain significance for Myopathy with tubular aggregates; Combined immunodeficiency due to STIM1 deficiency; Stormorken syndrome. Last evaluated: 2025-08-14. Review status: criteria provided, single submitter. Criteria: Invitae Variant Classification Sherloc (09022015). Collection method: clinical testing. Allele origin: germline.
Comment: This sequence change replaces arginine, which is basic and polar, with serine, which is neutral and polar, at codon 287 of the STIM1 protein (p.Arg287Ser). This variant is not present in population databases (gnomAD no frequency). This variant has not been reported in the literature in individuals affected with STIM1-related conditions. ClinVar contains an entry for this variant (Variation ID: 1046943). Invitae Evidence Modeling of protein sequence and biophysical properties (such as structural, functional, and spatial information, amino acid conservation, physicochemical variation, residue mobility, and thermodynamic stability) has been performed for this missense variant. However, the output from this modeling did not meet the statistical confidence thresholds required to predict the impact of this variant on STIM1 protein function. In summary, the available evidence is currently insufficient to determine the role of this variant in disease. Therefore, it has been classified as a Variant of Uncertain Significance.

NM_001382567.1(STIM1):c.859C>A (p.Arg287Ser)

Gene: STIM1 (stromal interaction molecule 1; plus strand). Cytogenetic location: 11p15.4.
Variant type: single nucleotide variant.
Coding change: c.859C>A on transcript NM_001382567.1 (MANE Select); coding-DNA position 859, C replaced by A.
Protein change: p.Arg287Ser; replaces arginine 287 with serine.
Molecular consequence: missense variant.
Genome position (GRCh38, 1-based): chr11:4,074,569, C>A. VCF-style: chr11-4074569-C-A. GRCh37 (hg19) VCF-style: chr11-4095799-C-A.
Other names: c.637C>A, p.Arg213Ser (NM_001382574.1, NM_001382575.1, NM_001382576.1 and 5 more transcripts); c.370C>A, p.Arg124Ser (NM_001382580.1, NM_001382581.1); c.859C>A, p.Arg287Ser (NM_003156.4, NM_001277961.3, NM_001277962.2 and 2 more transcripts); c.724C>A, p.Arg242Ser (NM_001382569.1); c.631C>A, p.Arg211Ser (NM_001382570.1); c.379C>A, p.Arg127Ser (NM_001382571.1); short protein forms R127S, R242S, R287S, R213S, R124S, R211S.
Identifiers: ClinVar variation 1046943 (VCV001046943.9), dbSNP rs1034949340, ClinGen allele CA216526494.
Genomic context (GRCh38, chr11:4,074,569, plus strand): 5'-AAGGCCCAGGAGGAGCACCGCACAGTGGAGGTGGAGAAGGTCCATCTGGAAAAGAAGCTG[C>A]GCGATGAGATCAACCTTGCTAAGCAGGAAGCCCAGCGGCTGAAGGAGCTGCGGGAGGGTA-3'
Protein context (NP_001369496.1, residues 277-297): VEKVHLEKKL[Arg287Ser]DEINLAKQEA